The following is an entry in ClinVar:

NM_000051.4(ATM):c.779C>T (p.Pro260Leu)

Gene: ATM (ATM serine/threonine kinase; plus strand). Cytogenetic location: 11q22.3.
Variant type: single nucleotide variant.
Coding change: c.779C>T on transcript NM_000051.4 (MANE Select); coding-DNA position 779, C replaced by T.
Protein change: p.Pro260Leu; replaces proline 260 with leucine.
Molecular consequence: missense variant.
Genome position (GRCh38, 1-based): chr11:108,244,904, C>T. VCF-style: chr11-108244904-C-T. GRCh37 (hg19) VCF-style: chr11-108115631-C-T.
Other names: c.779C>T, p.Pro260Leu (NM_001351834.2); short protein forms P260L.
Identifiers: ClinVar variation 481051 (VCV000481051.18), dbSNP rs961262202, ClinGen allele CA228384778.

ClinVar aggregate classification (germline): Uncertain significance. Review status: criteria provided, multiple submitters, no conflicts (2 of 4 stars). 5 submissions from 5 submitters: Uncertain significance (4). 1 of the submissions does not count toward it. Last evaluated 2024-02-23.

Conditions:
Hereditary cancer-predisposing syndrome. Also called: Hereditary neoplastic syndrome; Neoplastic Syndromes, Hereditary; Tumor predisposition; Hereditary Cancer Syndrome. Identifiers: Orphanet 140162, MedGen C0027672, MeSH D009386, MONDO:0015356.
Ataxia-telangiectasia syndrome (AT). Also called: LOUIS-BAR SYNDROME; Cerebello-oculocutaneous telangiectasia; Immunodeficiency with ataxia telangiectasia; AT, COMPLEMENTATION GROUP C; Ataxia-telangiectasia, complementation group D; ATAXIA-TELANGIECTASIA, COMPLEMENTATION GROUP A. Identifiers: Orphanet 100, MedGen C0004135, MONDO:0008840, OMIM 208900.

Allele frequency attached by ClinVar (database versions not stated): gnomAD exomes below 0.00001; TOPMed 0.00001.
gnomAD v4.1: 2 of 1,613,634 alleles (0.00012%); highest among the groups gnomAD compares: Non-Finnish European, 0.000085%; no homozygotes.

Submissions (5):

Quest Diagnostics Nichols Institute San Juan Capistrano
Classification: Uncertain significance. Last evaluated: 2024-02-23. Review status: criteria provided, single submitter. Criteria: Quest Diagnostics criteria. Collection method: clinical testing. Allele origin: unknown.

Labcorp Genetics (formerly Invitae), Labcorp
Classification: Uncertain significance for Ataxia-telangiectasia syndrome. Last evaluated: 2022-05-14. Review status: criteria provided, single submitter. Criteria: Invitae Variant Classification Sherloc (09022015). Collection method: clinical testing. Allele origin: germline.
Comment: This sequence change replaces proline, which is neutral and non-polar, with leucine, which is neutral and non-polar, at codon 260 of the ATM protein (p.Pro260Leu). This variant is not present in population databases (gnomAD no frequency). This variant has not been reported in the literature in individuals affected with ATM-related conditions. ClinVar contains an entry for this variant (Variation ID: 481051). Advanced modeling of protein sequence and biophysical properties (such as structural, functional, and spatial information, amino acid conservation, physicochemical variation, residue mobility, and thermodynamic stability) performed at Invitae indicates that this missense variant is not expected to disrupt ATM protein function. In summary, the available evidence is currently insufficient to determine the role of this variant in disease. Therefore, it has been classified as a Variant of Uncertain Significance.

Ambry Genetics
Classification: Uncertain significance for Hereditary cancer-predisposing syndrome. Last evaluated: 2021-04-07. Review status: criteria provided, single submitter. Criteria: Ambry Variant Classification Scheme 2023. Collection method: clinical testing. Allele origin: germline.
Comment: The p.P260L variant (also known as c.779C>T), located in coding exon 6 of the ATM gene, results from a C to T substitution at nucleotide position 779. The proline at codon 260 is replaced by leucine, an amino acid with similar properties. This amino acid position is well conserved in available vertebrate species. In addition, this alteration is predicted to be tolerated by in silico analysis. Since supporting evidence is limited at this time, the clinical significance of this alteration remains unclear.

Women's Health and Genetics/Laboratory Corporation of America, LabCorp
Classification: Uncertain significance. Last evaluated: 2021-03-19. Review status: criteria provided, single submitter. Criteria: LabCorp Variant Classification Summary - May 2015. Collection method: clinical testing. Allele origin: germline.
Comment: Variant summary: ATM c.779C>T (p.Pro260Leu) results in a non-conservative amino acid change in the encoded protein sequence. Three of five in-silico tools predict a benign effect of the variant on protein function. The variant was absent in 251032 control chromosomes. The available data on variant occurrences in the general population are insufficient to allow any conclusion about variant significance. To our knowledge, no occurrence of c.779C>T in individuals affected with Ataxia-Telangiectasia and no experimental evidence demonstrating its impact on protein function have been reported. Two clinical diagnostic laboratories have submitted clinical-significance assessments for this variant to ClinVar after 2014 without evidence for independent evaluation. All laboratories classified the variant as uncertain significance. Based on the evidence outlined above, the variant was classified as uncertain significance.

Natera, Inc.
Classification: Uncertain significance for Ataxia-telangiectasia. Last evaluated: 2021-09-15. Review status: no assertion criteria provided. Collection method: clinical testing. Allele origin: germline. Not counted in ClinVar's aggregate classification.